The following is an entry in ClinVar:

ClinVar aggregate classification (germline): Likely pathogenic (1 of 4 stars; one submission).

Conditions:
Developmental and epileptic encephalopathy, 69. Also called: EPILEPTIC ENCEPHALOPATHY, EARLY INFANTILE, 69. Identifiers: MedGen C4748988, MONDO:0032657, OMIM 618285.

Submission:

Illumina Laboratory Services, Illumina
Classification: Likely pathogenic for Developmental and epileptic encephalopathy, 69. Last evaluated: 2020-07-31. Review status: criteria provided, single submitter. Criteria: ICSLVariantClassificationCriteria RUGD 01 April 2020. Collection method: clinical testing. Allele origin: unknown.
Comment: The CACNA1E c.4004A>T (p.Asp1335Val) variant is a missense variant. A literature search was performed for the gene, cDNA change, and amino acid change. No publications were found based on this search. The p.Asp1335Val variant is not found in the Genome Aggregation Database in a region of good sequence coverage, so the variant is presumed to be rare. This variant is present in an extracellular loop region between the fifth and sixth helical segments of the third transmembrane domain; to date, variants affecting extracellular regions of the protein have not been reported in affected individuals (Helbig et al. 2018). Based on the variant's rarity, its identification in a de novo state, and application of the ACMG criteria, the p.Asp1335Val variant is classified as likely pathogenic for CACNA1E-related developmental and epileptic encephalopathy.

Literature cited by the submitters: PubMed 30343943.

NM_001205293.3(CACNA1E):c.4004A>T (p.Asp1335Val)

Gene: CACNA1E (calcium voltage-gated channel subunit alpha1 E; plus strand). Cytogenetic location: 1q25.3.
Variant type: single nucleotide variant.
Coding change: c.4004A>T on transcript NM_001205293.3 (MANE Select); coding-DNA position 4004, A replaced by T.
Protein change: p.Asp1335Val; replaces aspartic acid 1335 with valine.
Molecular consequence: missense variant.
Genome position (GRCh38, 1-based): chr1:181,755,970, A>T. VCF-style: chr1-181755970-A-T. GRCh37 (hg19) VCF-style: chr1-181725106-A-T.
Other names: c.4004A>T, p.Asp1335Val (NM_000721.4); c.3947A>T, p.Asp1316Val (NM_001205294.2); short protein forms D1316V, D1335V.
Identifiers: ClinVar variation 989253 (VCV000989253.4), dbSNP rs1658058398, ClinGen allele CA343623711.